The following is an entry in ClinVar:

ClinVar aggregate classification (germline): Uncertain significance (1 of 4 stars; one submission).

Conditions:
Familial thoracic aortic aneurysm and aortic dissection (TAAD). Also called: Thoracic aortic aneurysms and dissections. Identifiers: Orphanet 91387, MedGen C4707243, MONDO:0019625.

Submission:

Ambry Genetics
Classification: Uncertain significance for Familial thoracic aortic aneurysm and aortic dissection. Last evaluated: 2026-01-16. Review status: criteria provided, single submitter. Criteria: Ambry Variant Classification Scheme 2023. Collection method: clinical testing. Allele origin: germline.
Comment: The c.1155-2A>G intronic variant consists of a A to G substitution two nucleotides before exon 9 (coding exon 9) of the SMAD3 gene. This alteration occurs at the 3' terminus of the SMAD3 gene, is not expected to trigger nonsense-mediated mRNA decay, and impacts the last 9.4% of the protein. The exact functional effect of this alteration is unknown. This variant was not reported in population-based cohorts in the Genome Aggregation Database (gnomAD). This variant was reported in individual(s) with features consistent with SMAD3-related Loeys-Dietz syndrome (Campens, 2015). This nucleotide position is highly conserved in available vertebrate species. In silico splice site analysis predicts that this alteration may weaken the native splice acceptor site. Based on insufficient or conflicting evidence, the clinical significance of this alteration remains unclear.

Literature cited by the submitters: PubMed 25644172.

NM_005902.4(SMAD3):c.1155-2A>G

Gene: SMAD3 (SMAD family member 3; plus strand). Cytogenetic location: 15q22.33.
Variant type: single nucleotide variant.
Coding change: c.1155-2A>G on transcript NM_005902.4 (MANE Select); the canonical splice acceptor site of the intron before coding-DNA position 1155, A replaced by G.
Molecular consequence: splice acceptor variant.
Genome position (GRCh38, 1-based): chr15:67,190,411, A>G. VCF-style: chr15-67190411-A-G. GRCh37 (hg19) VCF-style: chr15-67482749-A-G.
Other names: c.1266-2A>G (NM_001407011.1); c.1017-2A>G (NM_001407013.1); c.1023-2A>G (NM_001407012.1, NM_001145103.2); c.1008-2A>G (NM_001407014.1); c.840-2A>G (NM_001145102.2, NM_001407016.1); c.708-2A>G (NM_001407015.1); c.570-2A>G (NM_001145104.2, NM_001407017.1).
Identifiers: ClinVar variation 4838900 (VCV004838900.1).